The following is an entry in ClinVar:

ClinVar aggregate classification (germline): Benign/Likely benign. Review status: criteria provided, multiple submitters, no conflicts (2 of 4 stars). 5 submissions from 5 submitters: Benign (4); Likely benign (1). Last evaluated 2025-02-16.

Conditions:
Primary ciliary dyskinesia 23 (CILD23). Also called: CILIARY DYSKINESIA, PRIMARY, 23, WITH OR WITHOUT SITUS INVERSUS. Identifiers: Orphanet 244, MedGen C3809548, MONDO:0014193, OMIM 615451.

Submissions (5):

Laboratory of Genetics, Children's Clinical University Hospital Latvia
Classification: Benign. Last evaluated: 2025-02-16. Review status: criteria provided, single submitter. Criteria: ACMG Guidelines, 2015. Collection method: clinical testing. Allele origin: germline. Affected: yes.

Blueprint Genetics
Classification: Likely benign. Last evaluated: 2024-11-27. Review status: criteria provided, single submitter. Criteria: ACMG Guidelines, 2015. Collection method: clinical testing. Allele origin: germline.

Mayo Clinic Laboratories, Mayo Clinic
Classification: Benign. Last evaluated: 2023-01-25. Review status: criteria provided, single submitter. Criteria: ACMG Guidelines, 2015. Collection method: clinical testing. Allele origin: germline. Observed: 92 variant alleles.
Comment: BA1

Fulgent Genetics
Classification: Benign for Primary ciliary dyskinesia 23. Last evaluated: 2022-04-25. Review status: criteria provided, single submitter. Criteria: ACMG Guidelines, 2015. Collection method: clinical testing. Allele origin: unknown.

GeneDx
Classification: Benign. Last evaluated: 2019-08-10. Review status: criteria provided, single submitter. Criteria: GeneDx Variant Classification Process June 2021. Collection method: clinical testing. Allele origin: germline. Affected: yes.
Comment: This variant is associated with the following publications: (PMID: 30290665)

NM_018076.5(ODAD2):c.383-6del

Gene: ODAD2 (outer dynein arm docking complex subunit 2; minus strand). Cytogenetic location: 10p12.1.
Variant type: Deletion.
Coding change: c.383-6del on transcript NM_018076.5 (MANE Select); 6 bases into the intron before coding-DNA position 383, one base deleted (T; older notation c.383-6delT).
Molecular consequence: intron variant.
Genome position (GRCh38, 1-based): chr10:27,985,217, A deleted on the plus strand (T on the coding strand, the reverse complement: ODAD2 is on the minus strand); the first of 14 consecutive A bases (chr10:27,985,217-27,985,230); deleting any one gives the same sequence. VCF-style (leftmost placement, unchanged base first): chr10-27985216-CA-C. GRCh37 (hg19) VCF-style: chr10-28274145-CA-C.
Other names: p.?; c.383-6del (NM_001290020.2).
Identifiers: ClinVar variation 1253319 (VCV001253319.6), dbSNP rs10599433, ClinGen allele CA5453826.